The following is an entry in ClinVar:

ClinVar aggregate classification (germline): Uncertain significance (1 of 4 stars; one submission).

Conditions:
Gastrointestinal stromal tumor. Also called: Gastrointestinal stromal tumor, somatic; Gastrointestinal stroma tumor. Identifiers: Orphanet 44890, MedGen C0238198, MeSH D046152, MONDO:0011719, OMIM 606764, HP:0100723.

Submission:

Labcorp Genetics (formerly Invitae), Labcorp
Classification: Uncertain significance for Gastrointestinal stromal tumor. Last evaluated: 2020-11-01. Review status: criteria provided, single submitter. Criteria: Invitae Variant Classification Sherloc (09022015). Collection method: clinical testing. Allele origin: germline.
Comment: This variant has not been reported in the literature in individuals with PDGFRA-related conditions. This variant is not present in population databases (ExAC no frequency). This sequence change replaces histidine with arginine at codon 920 of the PDGFRA protein (p.His920Arg). The histidine residue is highly conserved and there is a small physicochemical difference between histidine and arginine. In summary, the available evidence is currently insufficient to determine the role of this variant in disease. Therefore, it has been classified as a Variant of Uncertain Significance. Algorithms developed to predict the effect of missense changes on protein structure and function are either unavailable or do not agree on the potential impact of this missense change (SIFT: "Tolerated"; PolyPhen-2: "Possibly Damaging"; Align-GVGD: "Class C0").

NM_006206.6(PDGFRA):c.2759A>G (p.His920Arg)

Gene: PDGFRA (platelet derived growth factor receptor alpha; plus strand). Cytogenetic location: 4q12.
Variant type: single nucleotide variant.
Coding change: c.2759A>G on transcript NM_006206.6 (MANE Select); coding-DNA position 2759, A replaced by G.
Protein change: p.His920Arg; replaces histidine 920 with arginine.
Molecular consequence: missense variant.
Genome position (GRCh38, 1-based): chr4:54,288,883, A>G. VCF-style: chr4-54288883-A-G. GRCh37 (hg19) VCF-style: chr4-55155050-A-G.
Other names: c.2834A>G, p.His945Arg (NM_001347828.2); c.2759A>G, p.His920Arg (NM_001347829.2); c.2798A>G, p.His933Arg (NM_001347830.2); short protein forms H920R, H933R, H945R.
Identifiers: ClinVar variation 1046103 (VCV001046103.9), dbSNP rs1724486508, ClinGen allele CA356895594.
Genomic context (GRCh38, chr4:54,288,883, plus strand): 5'-TGGTGGATTCTACTTTCTACAATAAGATCAAGAGTGGGTACCGGATGGCCAAGCCTGACC[A>G]CGCTACCAGTGAAGTGTGAGCTCCTTCCCCATCCCGGGGGCCTGTGTTCACAGTCTGTGG-3'
Protein context (NP_006197.1, residues 910-930): KSGYRMAKPD[His920Arg]ATSEVYEIMV